The following is an entry in ClinVar:

NM_005055.5(RAPSN):c.690+4G>A

Gene: RAPSN (receptor associated protein of the synapse; minus strand). Cytogenetic location: 11p11.2.
Variant type: single nucleotide variant.
Coding change: c.690+4G>A on transcript NM_005055.5 (MANE Select); 4 bases into the intron after coding-DNA position 690, G replaced by A.
Molecular consequence: intron variant.
Genome position (GRCh38, 1-based): chr11:47,442,652, C>T on the plus strand (G>A on the coding strand, the complement: RAPSN is on the minus strand). VCF-style: chr11-47442652-C-T. GRCh37 (hg19) VCF-style: chr11-47464204-C-T.
Other names: c.690+4G>A (NM_032645.5).
Identifiers: ClinVar variation 841787 (VCV000841787.4), dbSNP rs201803329, ClinGen allele CA5976678.

ClinVar aggregate classification (germline): Uncertain significance. Review status: criteria provided, single submitter (1 of 4 stars). 2 submissions from 2 submitters: Uncertain significance (1). 1 of the submissions does not count toward it. Last evaluated 2022-02-24.

Conditions:
Fetal akinesia deformation sequence 1 (FADS1). Also called: Fetal akinesia sequence; Pena-Shokeir syndrome type I. Identifiers: Orphanet 994, MedGen C1276035, MONDO:0100101, OMIM 208150, HP:0001989.
Congenital myasthenic syndrome 11. Also called: MYASTHENIC SYNDROME, CONGENITAL, Ie; Myasthenic syndrome, congenital, 11, associated with acetylcholine receptor deficiency. Identifiers: Orphanet 590, MedGen C4225367, MONDO:0014588, OMIM 616326.
Congenital myasthenic syndrome (CMS). Also called: Congenital Myasthenic Syndromes. Identifiers: Orphanet 590, MedGen C0751882, MeSH D020294, MONDO:0018940.

Allele frequency attached by ClinVar (database versions not stated): gnomAD exomes 0.00002 and 0.00009; TOPMed 0.00003; gnomAD 0.00005 and 0.00007; ExAC 0.00006; 1000 Genomes Project 0.00060; 1000 Genomes Project 30x 0.00062.
gnomAD v4.1: 36 of 1,614,058 alleles (0.0022%); highest among the groups gnomAD compares: East Asian, 0.076%; no homozygotes.

Submissions (2):

Labcorp Genetics (formerly Invitae), Labcorp
Classification: Uncertain significance for Congenital myasthenic syndrome 11; Fetal akinesia deformation sequence 1. Last evaluated: 2022-02-24. Review status: criteria provided, single submitter. Criteria: Invitae Variant Classification Sherloc (09022015). Collection method: clinical testing. Allele origin: germline.
Comment: This sequence change falls in intron 3 of the RAPSN gene. It does not directly change the encoded amino acid sequence of the RAPSN protein. It affects a nucleotide within the consensus splice site. This variant is present in population databases (rs201803329, gnomAD 0.1%). This variant has not been reported in the literature in individuals affected with RAPSN-related conditions. ClinVar contains an entry for this variant (Variation ID: 841787). Variants that disrupt the consensus splice site are a relatively common cause of aberrant splicing (PMID: 17576681, 9536098). Algorithms developed to predict the effect of sequence changes on RNA splicing suggest that this variant may disrupt the consensus splice site. In summary, the available evidence is currently insufficient to determine the role of this variant in disease. Therefore, it has been classified as a Variant of Uncertain Significance.

Natera, Inc.
Classification: Uncertain significance for Congenital myasthenic syndrome. Last evaluated: 2020-01-24. Review status: no assertion criteria provided. Collection method: clinical testing. Allele origin: germline. Not counted in ClinVar's aggregate classification.

Literature cited by the submitters: PubMed 17576681 (cited by Labcorp Genetics (formerly Invitae), Labcorp); PubMed 9536098 (cited by Labcorp Genetics (formerly Invitae), Labcorp).